The following is an entry in ClinVar:

ClinVar aggregate classification (germline): Uncertain significance. Review status: criteria provided, multiple submitters, no conflicts (2 of 4 stars). 5 submissions from 5 submitters: Uncertain significance (4). 1 of the submissions does not count toward it. Last evaluated 2025-09-28.

Conditions:
Very long chain acyl-CoA dehydrogenase deficiency (ACADVLD). Also called: VLCAD Deficiency; Very Long-Chain Acyl-Coenzyme A Dehydrogenase Deficiency. Identifiers: Orphanet 26793, MedGen C3887523, MONDO:0008723, OMIM 201475.
Inborn genetic diseases. Identifiers: MedGen C0950123, MeSH D030342.
ACADVL-related disorder. Also called: ACADVL-related condition.

Allele frequency attached by ClinVar (database versions not stated): 1000 Genomes Project 30x 0.00016; ExAC 0.00027.
gnomAD v4.1: 126 of 1,569,438 alleles (0.008%); highest among the groups gnomAD compares: South Asian, 0.099%; no homozygotes.

Submissions (5):

Ambry Genetics
Classification: Uncertain significance for Inborn genetic diseases. Last evaluated: 2025-09-28. Review status: criteria provided, single submitter. Criteria: Ambry Variant Classification Scheme 2023. Collection method: clinical testing. Allele origin: germline.
Comment: The c.65C>T (p.S22L) alteration is located in exon 2 (coding exon 2) of the ACADVL gene. This alteration results from a C to T substitution at nucleotide position 65, causing the serine (S) at amino acid position 22 to be replaced by a leucine (L). Based on data from gnomAD, the T allele has an overall frequency of 0.011% (19/172340) total alleles studied. The highest observed frequency was 0.051% (13/25688) of South Asian alleles. Based on insufficient or conflicting evidence, the clinical significance of this alteration remains unclear.

Revvity Omics, Revvity
Classification: Uncertain significance for Very long chain acyl-CoA dehydrogenase deficiency. Last evaluated: 2025-02-05. Review status: criteria provided, single submitter. Criteria: ACMG Guidelines, 2015. Collection method: clinical testing. Allele origin: germline.

Blueprint Genetics
Classification: Uncertain significance. Last evaluated: 2024-08-26. Review status: criteria provided, single submitter. Criteria: ACMG Guidelines, 2015. Collection method: clinical testing. Allele origin: germline.

Labcorp Genetics (formerly Invitae), Labcorp
Classification: Uncertain significance for Very long chain acyl-CoA dehydrogenase deficiency. Last evaluated: 2022-04-28. Review status: criteria provided, single submitter. Criteria: Invitae Variant Classification Sherloc (09022015). Collection method: clinical testing. Allele origin: germline.
Comment: This sequence change replaces serine, which is neutral and polar, with leucine, which is neutral and non-polar, at codon 22 of the ACADVL protein (p.Ser22Leu). This variant is present in population databases (rs727503788, gnomAD 0.05%). This variant has not been reported in the literature in individuals affected with ACADVL-related conditions. Algorithms developed to predict the effect of missense changes on protein structure and function output the following: SIFT: "Tolerated"; PolyPhen-2: "Not Available"; Align-GVGD: "Class C0". The leucine amino acid residue is found in multiple mammalian species, which suggests that this missense change does not adversely affect protein function. In summary, the available evidence is currently insufficient to determine the role of this variant in disease. Therefore, it has been classified as a Variant of Uncertain Significance.

PreventionGenetics, part of Exact Sciences
Classification: Uncertain significance for ACADVL-related condition. Last evaluated: 2024-03-27. Review status: no assertion criteria provided. Collection method: clinical testing. Allele origin: germline. Not counted in ClinVar's aggregate classification.
Comment: The ACADVL c.65C>T variant is predicted to result in the amino acid substitution p.Ser22Leu. To our knowledge, this variant has not been reported in the literature. This variant is reported in 0.051% of alleles in individuals of South Asian descent in gnomAD. Although we suspect that this variant may be benign, at this time, the clinical significance of this variant is uncertain due to the absence of conclusive functional and genetic evidence.

NM_000018.4(ACADVL):c.65C>T (p.Ser22Leu)

Genes: ACADVL (acyl-CoA dehydrogenase very long chain; plus strand), LOC130060113 (ATAC-STARR-seq lymphoblastoid silent region 8088; plus strand). Cytogenetic location: 17p13.1.
Variant type: single nucleotide variant.
Coding change: c.65C>T on transcript NM_000018.4 (MANE Select); coding-DNA position 65, C replaced by T.
Protein change: p.Ser22Leu; replaces serine 22 with leucine.
Molecular consequence: missense variant. On other transcripts: 5 prime UTR variant (1).
Genome position (GRCh38, 1-based): chr17:7,220,124, C>T. VCF-style: chr17-7220124-C-T. GRCh37 (hg19) VCF-style: chr17-7123443-C-T.
Other names: c.65C>T (NM_000018.3, NM_000018.2); c.65C>T, p.Ser22Leu (NM_001033859.3); c.134C>T, p.Ser45Leu (NM_001270447.2); c.-164C>T (NM_001270448.2); short protein forms S22L, S45L.
Identifiers: ClinVar variation 2415442 (VCV002415442.8), dbSNP rs727503788, ClinGen allele CA8337542.